The following is an entry in ClinVar:

NM_000435.3(NOTCH3):c.6113G>C (p.Gly2038Ala)

Gene: NOTCH3 (notch receptor 3; minus strand). Cytogenetic location: 19p13.12.
Variant type: single nucleotide variant.
Coding change: c.6113G>C on transcript NM_000435.3 (MANE Select); coding-DNA position 6113, G replaced by C.
Protein change: p.Gly2038Ala; replaces glycine 2038 with alanine.
Molecular consequence: missense variant.
Genome position (GRCh38, 1-based): chr19:15,161,515, C>G on the plus strand (G>C on the coding strand, the complement: NOTCH3 is on the minus strand). VCF-style: chr19-15161515-C-G. GRCh37 (hg19) VCF-style: chr19-15272326-C-G.
Other names: short protein forms G2038A.
Identifiers: ClinVar variation 4753737 (VCV004753737.1).

ClinVar aggregate classification (germline): Uncertain significance (1 of 4 stars; one submission).

gnomAD v4.1: 4 of 1,595,068 alleles (0.00025%); highest among the groups gnomAD compares: African/African-American, 0.0054%; no homozygotes.

Submission:

Labcorp Genetics (formerly Invitae), Labcorp
Classification: Uncertain significance. Last evaluated: 2025-05-13. Review status: criteria provided, single submitter. Criteria: Invitae Variant Classification Sherloc (09022015). Collection method: clinical testing. Allele origin: germline.
Comment: This sequence change replaces glycine, which is neutral and non-polar, with alanine, which is neutral and non-polar, at codon 2038 of the NOTCH3 protein (p.Gly2038Ala). This variant is not present in population databases (gnomAD no frequency). This variant has not been reported in the literature in individuals affected with NOTCH3-related conditions. Invitae Evidence Modeling of protein sequence and biophysical properties (such as structural, functional, and spatial information, amino acid conservation, physicochemical variation, residue mobility, and thermodynamic stability) indicates that this missense variant is not expected to disrupt NOTCH3 protein function with a negative predictive value of 95%. In summary, the available evidence is currently insufficient to determine the role of this variant in disease. Therefore, it has been classified as a Variant of Uncertain Significance.